The following is an entry in ClinVar:

ClinVar aggregate classification (germline): Uncertain significance (1 of 4 stars; one submission).

Submission:

Women's Health and Genetics/Laboratory Corporation of America, LabCorp
Classification: Uncertain significance. Last evaluated: 2025-02-05. Review status: criteria provided, single submitter. Criteria: LabCorp Variant Classification Summary - May 2015. Collection method: clinical testing. Allele origin: germline.
Comment: Variant summary: AP3D1 c.2143delG (p.Val715PhefsX11) results in a premature termination codon, predicted to cause a truncation of the encoded protein or absence of the protein due to nonsense mediated decay, however current evidence is not sufficient to establish loss of function as a mechanism for disease. The variant was absent in 248740 control chromosomes. The available data on variant occurrences in the general population are insufficient to allow any conclusion about variant significance. To our knowledge, no occurrence of c.2143delG in individuals affected with Hermansky-Pudlak Syndrome and no experimental evidence demonstrating its impact on protein function have been reported. ClinVar contains an entry for this variant (Variation ID: 2501115). Based on the evidence outlined above, the variant was classified as uncertain significance.

NM_001261826.3(AP3D1):c.2143del (p.Val715fs)

Gene: AP3D1 (adaptor related protein complex 3 subunit delta 1; minus strand). Cytogenetic location: 19p13.3.
Variant type: Deletion.
Coding change: c.2143del on transcript NM_001261826.3 (MANE Select); coding-DNA position 2143, one base deleted (G; older notation c.2143delG).
Protein change: p.Val715fs; shifts the reading frame from valine 715.
Molecular consequence: frameshift variant.
Genome position (GRCh38, 1-based): chr19:2,115,544, C deleted on the plus strand (G on the coding strand, the reverse complement: AP3D1 is on the minus strand); the first of 2 consecutive C bases (chr19:2,115,544-2,115,545); deleting either gives the same sequence. VCF-style (leftmost placement, unchanged base first): chr19-2115543-AC-A. GRCh37 (hg19) VCF-style: chr19-2115542-AC-A.
Other names: c.2143del, p.Val715fs (NM_001374799.1, NM_003938.8); c.2143delG (NM_001261826.3); short protein forms V715fs.
Identifiers: ClinVar variation 2501115 (VCV002501115.2), dbSNP rs2512153155, ClinGen allele CA2580613020.